The following is an entry in ClinVar:

ClinVar aggregate classification (germline): Uncertain significance (1 of 4 stars; one submission).

Conditions:
Autosomal recessive limb-girdle muscular dystrophy type 2A (LGMDR1). Also called: Muscular dystrophy, limb-girdle, type 2A, Amish; LEYDEN-MOEBIUS MUSCULAR DYSTROPHY; MUSCULAR DYSTROPHY, PELVOFEMORAL; Limb-girdle muscular dystrophy, type 2A; Calpainopathy. Identifiers: Orphanet 267, MedGen C1869123, MONDO:0009675, OMIM 253600. Disease mechanism: loss of function.

gnomAD v4.1: 2 of 1,614,018 alleles (0.00012%); highest among the groups gnomAD compares: Non-Finnish European, 0.00017%; no homozygotes.

Submission:

Labcorp Genetics (formerly Invitae), Labcorp
Classification: Uncertain significance for Autosomal recessive limb-girdle muscular dystrophy type 2A. Last evaluated: 2024-02-14. Review status: criteria provided, single submitter. Criteria: Invitae Variant Classification Sherloc (09022015). Collection method: clinical testing. Allele origin: germline.
Comment: This sequence change replaces valine, which is neutral and non-polar, with phenylalanine, which is neutral and non-polar, at codon 148 of the CAPN3 protein (p.Val148Phe). This variant is not present in population databases (gnomAD no frequency). This variant has not been reported in the literature in individuals affected with CAPN3-related conditions. Advanced modeling of protein sequence and biophysical properties (such as structural, functional, and spatial information, amino acid conservation, physicochemical variation, residue mobility, and thermodynamic stability) performed at Invitae indicates that this missense variant is expected to disrupt CAPN3 protein function with a positive predictive value of 80%. In summary, the available evidence is currently insufficient to determine the role of this variant in disease. Therefore, it has been classified as a Variant of Uncertain Significance.

NM_000070.3(CAPN3):c.442G>T (p.Val148Phe)

Genes: CAPN3 (calpain 3; plus strand), LOC126862115 (BRD4-independent group 4 enhancer GRCh37_chr15:42677734-42678933; plus strand). Cytogenetic location: 15q15.1.
Variant type: single nucleotide variant.
Coding change: c.442G>T on transcript NM_000070.3 (MANE Select); coding-DNA position 442, G replaced by T.
Protein change: p.Val148Phe; replaces valine 148 with phenylalanine.
Molecular consequence: missense variant.
Genome position (GRCh38, 1-based): chr15:42,386,229, G>T. VCF-style: chr15-42386229-G-T. GRCh37 (hg19) VCF-style: chr15-42678427-G-T.
Other names: c.442G>T, p.Val148Phe (NM_024344.2, NM_173087.2); short protein forms V148F.
Identifiers: ClinVar variation 3680984 (VCV003680984.2).